The following is an entry in ClinVar:

ClinVar aggregate classification (germline): Uncertain significance (1 of 4 stars; one submission).

Allele frequency attached by ClinVar (database versions not stated): gnomAD exomes below 0.00001.
gnomAD v4.1: 1 of 1,614,218 alleles (0.000062%); highest among the groups gnomAD compares: Non-Finnish European, 0.000085%; no homozygotes.

Submission:

Labcorp Genetics (formerly Invitae), Labcorp
Classification: Uncertain significance. Last evaluated: 2023-07-25. Review status: criteria provided, single submitter. Criteria: Invitae Variant Classification Sherloc (09022015). Collection method: clinical testing. Allele origin: germline.
Comment: This sequence change creates a premature translational stop signal (p.Trp167*) in the CRYM gene. It is expected to result in an absent or disrupted protein product. However, the current clinical and genetic evidence is not sufficient to establish whether loss-of-function variants in CRYM cause disease. This variant is not present in population databases (gnomAD no frequency). This variant has not been reported in the literature in individuals affected with CRYM-related conditions. In summary, the available evidence is currently insufficient to determine the role of this variant in disease. Therefore, it has been classified as a Variant of Uncertain Significance.

NM_001376256.1(CRYM):c.501G>A (p.Trp167Ter)

Gene: CRYM (crystallin mu; minus strand). Cytogenetic location: 16p12.2.
Variant type: single nucleotide variant.
Coding change: c.501G>A on transcript NM_001376256.1 (MANE Select); coding-DNA position 501, G replaced by A.
Protein change: p.Trp167Ter; replaces tryptophan 167 with a stop codon.
Molecular consequence: nonsense.
Genome position (GRCh38, 1-based): chr16:21,267,726, C>T on the plus strand (G>A on the coding strand, the complement: CRYM is on the minus strand). VCF-style: chr16-21267726-C-T. GRCh37 (hg19) VCF-style: chr16-21279047-C-T.
Other names: c.501G>A, p.Trp167Ter (NM_001888.5); short protein forms W167*.
Identifiers: ClinVar variation 2746850 (VCV002746850.3), dbSNP rs2506195859, ClinGen allele CA395037378.